The following is an entry in ClinVar:

ClinVar aggregate classification (germline): Uncertain significance (1 of 4 stars; one submission).

Conditions:
Charcot-Marie-Tooth disease type 4. Also called: Charcot-Marie-Tooth disease, type IV; Charcot-Marie-Tooth, Type 4. Identifiers: Orphanet 64749, MedGen C4082197, MONDO:0018995.

Submission:

Labcorp Genetics (formerly Invitae), Labcorp
Classification: Uncertain significance for Charcot-Marie-Tooth disease type 4. Last evaluated: 2022-03-09. Review status: criteria provided, single submitter. Criteria: Invitae Variant Classification Sherloc (09022015). Collection method: clinical testing. Allele origin: germline.
Comment: ClinVar contains an entry for this variant (Variation ID: 580027). This variant has not been reported in the literature in individuals affected with SH3TC2-related conditions. This variant is not present in population databases (gnomAD no frequency). This sequence change replaces glycine, which is neutral and non-polar, with alanine, which is neutral and non-polar, at codon 850 of the SH3TC2 protein (p.Gly850Ala). Advanced modeling of protein sequence and biophysical properties (such as structural, functional, and spatial information, amino acid conservation, physicochemical variation, residue mobility, and thermodynamic stability) performed at Invitae indicates that this missense variant is not expected to disrupt SH3TC2 protein function. In summary, the available evidence is currently insufficient to determine the role of this variant in disease. Therefore, it has been classified as a Variant of Uncertain Significance.

NM_024577.4(SH3TC2):c.2549G>C (p.Gly850Ala)

Gene: SH3TC2 (SH3 domain and tetratricopeptide repeats 2; minus strand). Cytogenetic location: 5q32.
Variant type: single nucleotide variant.
Coding change: c.2549G>C on transcript NM_024577.4 (MANE Select); coding-DNA position 2549, G replaced by C.
Protein change: p.Gly850Ala; replaces glycine 850 with alanine.
Molecular consequence: missense variant.
Genome position (GRCh38, 1-based): chr5:149,027,183, C>G on the plus strand (G>C on the coding strand, the complement: SH3TC2 is on the minus strand). VCF-style: chr5-149027183-C-G. GRCh37 (hg19) VCF-style: chr5-148406746-C-G.
Other names: short protein forms G850A.
Identifiers: ClinVar variation 580027 (VCV000580027.8), dbSNP rs749133472, ClinGen allele CA361666136.